The following is an entry in ClinVar:

NM_000209.4(PDX1):c.693C>T (p.Ser231=)

Gene: PDX1 (pancreatic and duodenal homeobox 1; plus strand). Cytogenetic location: 13q12.2.
Variant type: single nucleotide variant.
Coding change: c.693C>T on transcript NM_000209.4 (MANE Select); coding-DNA position 693, C replaced by T.
Protein change: p.Ser231=; no amino-acid change (serine 231 retained).
Molecular consequence: synonymous variant.
Genome position (GRCh38, 1-based): chr13:27,924,542, C>T. VCF-style: chr13-27924542-C-T. GRCh37 (hg19) VCF-style: chr13-28498679-C-T.
Identifiers: ClinVar variation 716439 (VCV000716439.17), dbSNP rs200411304, ClinGen allele CA6927709.

ClinVar aggregate classification (germline): Benign/Likely benign. Review status: criteria provided, multiple submitters, no conflicts (2 of 4 stars). 7 submissions from 7 submitters: Benign (2); Likely benign (4). 1 of the submissions does not count toward it. Last evaluated 2025-09-22.

Conditions:
Maturity-onset diabetes of the young (MODY). Also called: Maturity onset diabetes mellitus in young. Identifiers: Orphanet 552, MedGen C0342276, MONDO:0018911, HP:0004904.
PDX1-related disorder. Also called: PDX1-related disorders; PDX1-related condition.

Allele frequency attached by ClinVar (database versions not stated): ESP Exome Variant Server 0.00147; TOPMed 0.00158; 1000 Genomes Project 30x 0.00219; 1000 Genomes Project 0.00240.

Submissions (7):

Labcorp Genetics (formerly Invitae), Labcorp
Classification: Benign. Last evaluated: 2025-09-22. Review status: criteria provided, single submitter. Criteria: Invitae Variant Classification Sherloc (09022015). Collection method: clinical testing. Allele origin: germline.

ARUP Laboratories, Molecular Genetics and Genomics, ARUP Laboratories
Classification: Likely benign. Last evaluated: 2025-03-06. Review status: criteria provided, single submitter. Criteria: ARUP Molecular Germline Variant Investigation Process 2024. Collection method: clinical testing. Allele origin: germline.

Blueprint Genetics
Classification: Likely benign. Last evaluated: 2024-06-27. Review status: criteria provided, single submitter. Criteria: ACMG Guidelines, 2015. Collection method: clinical testing. Allele origin: germline.

Ambry Genetics
Classification: Likely benign for Maturity-onset diabetes of the young. Last evaluated: 2024-01-14. Review status: criteria provided, single submitter. Criteria: Ambry Variant Classification Scheme 2023. Collection method: clinical testing. Allele origin: germline.

Women's Health and Genetics/Laboratory Corporation of America, LabCorp
Classification: Benign. Last evaluated: 2022-01-22. Review status: criteria provided, single submitter. Criteria: LabCorp Variant Classification Summary - May 2015. Collection method: clinical testing. Allele origin: germline.

GeneDx
Classification: Likely benign. Last evaluated: 2020-07-30. Review status: criteria provided, single submitter. Criteria: GeneDx Variant Classification Process June 2021. Collection method: clinical testing. Allele origin: germline. Affected: yes.

PreventionGenetics, part of Exact Sciences
Classification: Benign for PDX1-related condition. Last evaluated: 2020-10-22. Review status: no assertion criteria provided. Collection method: clinical testing. Allele origin: germline. Not counted in ClinVar's aggregate classification.
Comment: This variant is classified as benign based on ACMG/AMP sequence variant interpretation guidelines (Richards et al. 2015 PMID: 25741868, with internal and published modifications).